The following is an entry in ClinVar:

NM_002691.4(POLD1):c.3070G>A (p.Ala1024Thr)

Gene: POLD1 (DNA polymerase delta 1, catalytic subunit; plus strand). Cytogenetic location: 19q13.33.
Variant type: single nucleotide variant.
Coding change: c.3070G>A on transcript NM_002691.4 (MANE Select); coding-DNA position 3070, G replaced by A.
Protein change: p.Ala1024Thr; replaces alanine 1024 with threonine.
Molecular consequence: missense variant. On other transcripts: non-coding transcript variant (1).
Genome position (GRCh38, 1-based): chr19:50,417,047, G>A. VCF-style: chr19-50417047-G-A. GRCh37 (hg19) VCF-style: chr19-50920304-G-A.
Other names: c.3070G>A, p.Ala1024Thr (NM_001256849.1); c.3148G>A, p.Ala1050Thr (NM_001308632.1); short protein forms A1050T, A1024T.
Identifiers: ClinVar variation 2746702 (VCV002746702.3), dbSNP rs2122503417, ClinGen allele CA406987051.

ClinVar aggregate classification (germline): Uncertain significance (1 of 4 stars; one submission).

Conditions:
POLD1-related polyposis and colorectal cancer syndrome (CRCS10). Also called: Colorectal cancer 10; Colorectal cancer, susceptibility to, 10; COLORECTAL CANCER, SUSCEPTIBILITY TO, ON CHROMOSOME 19q. Identifiers: Orphanet 220460, MedGen C2675481, MONDO:0012953, OMIM 612591.

Submission:

Labcorp Genetics (formerly Invitae), Labcorp
Classification: Uncertain significance for POLD1-related polyposis and colorectal cancer syndrome. Last evaluated: 2023-10-08. Review status: criteria provided, single submitter. Criteria: Invitae Variant Classification Sherloc (09022015). Collection method: clinical testing. Allele origin: germline.
Comment: This sequence change replaces alanine, which is neutral and non-polar, with threonine, which is neutral and polar, at codon 1024 of the POLD1 protein (p.Ala1024Thr). This variant is not present in population databases (gnomAD no frequency). This variant has not been reported in the literature in individuals affected with POLD1-related conditions. An algorithm developed to predict the effect of missense changes on protein structure and function (PolyPhen-2) suggests that this variant is likely to be disruptive. In summary, the available evidence is currently insufficient to determine the role of this variant in disease. Therefore, it has been classified as a Variant of Uncertain Significance.